The following is an entry in ClinVar:

NM_018196.4(TMLHE):c.905T>C (p.Ile302Thr)

Gene: TMLHE (trimethyllysine hydroxylase, epsilon; minus strand). Cytogenetic location: Xq28.
Variant type: single nucleotide variant.
Coding change: c.905T>C on transcript NM_018196.4 (MANE Select); coding-DNA position 905, T replaced by C.
Protein change: p.Ile302Thr; replaces isoleucine 302 with threonine.
Molecular consequence: missense variant.
Genome position (GRCh38, 1-based): chrX:155,506,988, A>G on the plus strand (T>C on the coding strand, the complement: TMLHE is on the minus strand). VCF-style: chrX-155506988-A-G. GRCh37 (hg19) VCF-style: chrX-154736649-A-G.
Other names: c.905T>C, p.Ile302Thr (NM_001184797.2); short protein forms I302T.
Identifiers: ClinVar variation 3768082 (VCV003768082.1).

ClinVar aggregate classification (germline): Uncertain significance (1 of 4 stars; one submission).

gnomAD v4.1: 2 of 1,210,028 alleles (0.00017%); highest among the groups gnomAD compares: Non-Finnish European, 0.00022%; no homozygotes.

Submission:

Women's Health and Genetics/Laboratory Corporation of America, LabCorp
Classification: Uncertain significance. Last evaluated: 2024-12-30. Review status: criteria provided, single submitter. Criteria: LabCorp Variant Classification Summary - May 2015. Collection method: clinical testing. Allele origin: germline.
Comment: Variant summary: TMLHE c.905T>C (p.Ile302Thr) results in a non-conservative amino acid change in the encoded protein sequence. Three of five in-silico tools predict a damaging effect of the variant on protein function. The variant was absent in 182935 control chromosomes. The available data on variant occurrences in the general population are insufficient to allow any conclusion about variant significance. To our knowledge, no occurrence of c.905T>C in individuals affected with Autism, Susceptibility To, X-Linked 6 and no experimental evidence demonstrating its impact on protein function have been reported. No submitters have cited clinical-significance assessments for this variant to ClinVar. Based on the evidence outlined above, the variant was classified as uncertain significance.